The following is an entry in ClinVar:

ClinVar aggregate classification (germline): Uncertain significance. Review status: criteria provided, multiple submitters, no conflicts (2 of 4 stars). 2 submissions from 2 submitters: Uncertain significance (2). Last evaluated 2022-08-29.

Conditions:
Inborn genetic diseases. Identifiers: MedGen C0950123, MeSH D030342.

Allele frequency attached by ClinVar (database versions not stated): gnomAD 0.00001; TOPMed 0.00001.

Submissions (2):

Ambry Genetics
Classification: Uncertain significance for Inborn genetic diseases. Last evaluated: 2022-08-29. Review status: criteria provided, single submitter. Criteria: Ambry Variant Classification Scheme 2023. Collection method: clinical testing. Allele origin: germline.

Labcorp Genetics (formerly Invitae), Labcorp
Classification: Uncertain significance. Last evaluated: 2022-07-30. Review status: criteria provided, single submitter. Criteria: Invitae Variant Classification Sherloc (09022015). Collection method: clinical testing. Allele origin: germline.
Comment: This sequence change replaces glycine, which is neutral and non-polar, with valine, which is neutral and non-polar, at codon 584 of the PNPLA8 protein (p.Gly584Val). This variant is not present in population databases (gnomAD no frequency). This variant has not been reported in the literature in individuals affected with PNPLA8-related conditions. Algorithms developed to predict the effect of missense changes on protein structure and function are either unavailable or do not agree on the potential impact of this missense change (SIFT: "Deleterious"; PolyPhen-2: "Benign"; Align-GVGD: "Class C0"). In summary, the available evidence is currently insufficient to determine the role of this variant in disease. Therefore, it has been classified as a Variant of Uncertain Significance.

NM_001256007.3(PNPLA8):c.1751G>T (p.Gly584Val)

Gene: PNPLA8 (patatin like domain 8, phospholipase A2; minus strand). Cytogenetic location: 7q31.1.
Variant type: single nucleotide variant.
Coding change: c.1751G>T on transcript NM_001256007.3 (MANE Select); coding-DNA position 1751, G replaced by T.
Protein change: p.Gly584Val; replaces glycine 584 with valine.
Molecular consequence: missense variant. On other transcripts: intron variant (1).
Genome position (GRCh38, 1-based): chr7:108,487,886, C>A on the plus strand (G>T on the coding strand, the complement: PNPLA8 is on the minus strand). VCF-style: chr7-108487886-C-A. GRCh37 (hg19) VCF-style: chr7-108128330-C-A.
Other names: c.1751G>T, p.Gly584Val (NM_001256008.3, NM_015723.5); c.1451G>T, p.Gly484Val (NM_001256010.3, NM_001256011.3); c.1692+59G>T (NM_001256009.3); c.1751G>T (NM_015723.2); short protein forms G484V, G584V.
Identifiers: ClinVar variation 1933503 (VCV001933503.3), dbSNP rs775434465, ClinGen allele CA368894368.